The following is an entry in ClinVar:

NM_000222.3(KIT):c.2603G>C (p.Ser868Thr)

Gene: KIT (KIT proto-oncogene, receptor tyrosine kinase; plus strand). Cytogenetic location: 4q12.
Variant type: single nucleotide variant.
Coding change: c.2603G>C on transcript NM_000222.3 (MANE Select); coding-DNA position 2603, G replaced by C.
Protein change: p.Ser868Thr; replaces serine 868 with threonine.
Molecular consequence: missense variant.
Genome position (GRCh38, 1-based): chr4:54,736,727, G>C. VCF-style: chr4-54736727-G-C. GRCh37 (hg19) VCF-style: chr4-55602893-G-C.
Other names: c.2591G>C, p.Ser864Thr (NM_001093772.2, NM_001385292.1); c.2606G>C, p.Ser869Thr (NM_001385284.1); c.2600G>C, p.Ser867Thr (NM_001385285.1); c.2588G>C, p.Ser863Thr (NM_001385286.1); c.2594G>C, p.Ser865Thr (NM_001385288.1); c.2603G>C, p.Ser868Thr (NM_001385290.1); short protein forms S868T, S864T, S865T, S867T, S863T, S869T.
Identifiers: ClinVar variation 3641052 (VCV003641052.2).
Genomic context (GRCh38, chr4:54,736,727, plus strand): 5'-TCATTGGTGTCCTGCTTCCTTGTGATTAACACTGCTTTGCAAACTGTGTCTCAGGAAGCA[G>C]CCCCTATCCTGGAATGCCGGTCGATTCTAAGTTCTACAAGATGATCAAGGAAGGCTTCCG-3'
Protein context (NP_000213.1, residues 858-878): FLWELFSLGS[Ser868Thr]PYPGMPVDSK

ClinVar aggregate classification (germline): Uncertain significance (1 of 4 stars; one submission).

Conditions:
Gastrointestinal stromal tumor. Also called: Gastrointestinal stromal tumor, somatic; Gastrointestinal stroma tumor. Identifiers: Orphanet 44890, MedGen C0238198, MeSH D046152, MONDO:0011719, OMIM 606764, HP:0100723.

Submission:

Labcorp Genetics (formerly Invitae), Labcorp
Classification: Uncertain significance for Gastrointestinal stromal tumor. Last evaluated: 2024-02-15. Review status: criteria provided, single submitter. Criteria: Invitae Variant Classification Sherloc (09022015). Collection method: clinical testing. Allele origin: germline.
Comment: This sequence change replaces serine, which is neutral and polar, with threonine, which is neutral and polar, at codon 868 of the KIT protein (p.Ser868Thr). This variant is not present in population databases (gnomAD no frequency). This variant has not been reported in the literature in individuals affected with KIT-related conditions. An algorithm developed to predict the effect of missense changes on protein structure and function (PolyPhen-2) suggests that this variant is likely to be disruptive. In summary, the available evidence is currently insufficient to determine the role of this variant in disease. Therefore, it has been classified as a Variant of Uncertain Significance.